The following is an entry in ClinVar:

NM_000051.4(ATM):c.7904C>G (p.Ala2635Gly)

Genes: ATM (ATM serine/threonine kinase; plus strand), C11orf65 (chromosome 11 open reading frame 65; minus strand). Cytogenetic location: 11q22.3.
Variant type: single nucleotide variant.
Coding change: c.7904C>G on transcript NM_000051.4 (MANE Select); coding-DNA position 7904, C replaced by G.
Protein change: p.Ala2635Gly; replaces alanine 2635 with glycine.
Molecular consequence: missense variant. On other transcripts: intron variant (2).
Genome position (GRCh38, 1-based): chr11:108,332,877, C>G. VCF-style: chr11-108332877-C-G. GRCh37 (hg19) VCF-style: chr11-108203604-C-G.
Other names: c.7904C>G, p.Ala2635Gly (NM_001351834.2); c.641-23806G>C (NM_001330368.2); c.*38+2343G>C (NM_001351110.2); short protein forms A2635G.
Identifiers: ClinVar variation 453709 (VCV000453709.18), dbSNP rs754002355, ClinGen allele CA382561483.
Genomic context (GRCh38, chr11:108,332,877, plus strand): 5'-AGATGGTCAGAAGTGTTGAGGCACTTTGTGATGCTTATATTATATTAGCAAACTTAGATG[C>G]CACTCAGTGGAAGACTCAGAGAAGTATGTTTTTTTTAAAGAAGAAACGTTACTTTCTTGC-3'
Protein context (NP_000042.3, residues 2625-2645): DAYIILANLD[Ala2635Gly]TQWKTQRKGI

ClinVar aggregate classification (germline): Uncertain significance. Review status: criteria provided, multiple submitters, no conflicts (2 of 4 stars). 7 submissions from 7 submitters: Uncertain significance (6). 1 of the submissions does not count toward it. Last evaluated 2025-08-13.

Conditions:
Hereditary cancer-predisposing syndrome. Also called: Neoplastic Syndromes, Hereditary; Hereditary Cancer Syndrome; Tumor predisposition; Hereditary neoplastic syndrome. Identifiers: Orphanet 140162, MedGen C0027672, MeSH D009386, MONDO:0015356.
Ataxia-telangiectasia syndrome (AT). Also called: LOUIS-BAR SYNDROME; Cerebello-oculocutaneous telangiectasia; Immunodeficiency with ataxia telangiectasia; Ataxia-telangiectasia, complementation group D; AT, COMPLEMENTATION GROUP C; Ataxia-telangiectasia, complementation group E. Identifiers: Orphanet 100, MedGen C0004135, MONDO:0008840, OMIM 208900.
Hereditary breast ovarian cancer syndrome. Also called: Hereditary breast and ovarian cancer; Breast and ovarian cancer; Hereditary breast and/or ovarian cancer syndrome; Hereditary breast and ovarian cancer syndrome; Hereditary breast and ovarian cancer syndrome (HBOC); BRCA1- and BRCA2-Associated Hereditary Breast and Ovarian Cancer. Identifiers: Orphanet 145, MedGen C0677776, MeSH D061325, MONDO:0003582. Disease mechanism: loss of function.
Familial cancer of breast. Also called: Hereditary breast cancer; BREAST CANCER, FAMILIAL; hereditary breast carcinoma. Identifiers: Orphanet 227535, MedGen C0346153, MONDO:0016419, OMIM 114480. Disease mechanism: loss of function.

Allele frequency attached by ClinVar (database versions not stated): gnomAD exomes 0.00001; gnomAD 0.00001; TOPMed below 0.00001.
gnomAD v4.1: 12 of 1,612,724 alleles (0.00074%); highest among the groups gnomAD compares: East Asian, 0.027%; no homozygotes.

Submissions (7):

Labcorp Genetics (formerly Invitae), Labcorp
Classification: Uncertain significance for Ataxia-telangiectasia syndrome. Last evaluated: 2025-08-13. Review status: criteria provided, single submitter. Criteria: Invitae Variant Classification Sherloc (09022015). Collection method: clinical testing. Allele origin: germline.
Comment: This sequence change replaces alanine, which is neutral and non-polar, with glycine, which is neutral and non-polar, at codon 2635 of the ATM protein (p.Ala2635Gly). This variant is not present in population databases (gnomAD no frequency). This missense change has been observed in individual(s) with breast cancer (PMID: 30287823, 35218119). ClinVar contains an entry for this variant (Variation ID: 453709). Invitae Evidence Modeling of protein sequence and biophysical properties (such as structural, functional, and spatial information, amino acid conservation, physicochemical variation, residue mobility, and thermodynamic stability) indicates that this missense variant is not expected to disrupt ATM protein function with a negative predictive value of 95%. In summary, the available evidence is currently insufficient to determine the role of this variant in disease. Therefore, it has been classified as a Variant of Uncertain Significance.

Ambry Genetics
Classification: Uncertain significance for Hereditary cancer-predisposing syndrome. Last evaluated: 2025-02-13. Review status: criteria provided, single submitter. Criteria: Ambry Variant Classification Scheme 2023. Collection method: clinical testing. Allele origin: germline.
Comment: The p.A2635G variant (also known as c.7904C>G), located in coding exon 52 of the ATM gene, results from a C to G substitution at nucleotide position 7904. The alanine at codon 2635 is replaced by glycine, an amino acid with similar properties. This amino acid position is highly conserved in available vertebrate species. In addition, the in silico prediction for this alteration is inconclusive. Based on the available evidence, the clinical significance of this variant remains unclear.

GeneDx
Classification: Uncertain significance. Last evaluated: 2023-07-28. Review status: criteria provided, single submitter. Criteria: GeneDx Variant Classification Process June 2021. Collection method: clinical testing. Allele origin: germline. Affected: yes.
Comment: Not observed at significant frequency in large population cohorts (gnomAD); In silico analysis supports that this missense variant does not alter protein structure/function; Identified in individual(s) with breast cancer and in unaffected controls (Momozawa et al., 2018); This variant is associated with the following publications: (PMID: 30287823, 32566746)

Baylor Genetics
Classification: Uncertain significance for Familial cancer of breast. Last evaluated: 2022-10-24. Review status: criteria provided, single submitter. Criteria: ACMG Guidelines, 2015. Collection method: clinical testing. Allele origin: unknown.

Cancer Genomics Group, Japanese Foundation For Cancer Research
Classification: Uncertain significance for Hereditary breast and ovarian cancer syndrome. Last evaluated: 2019-05-01. Review status: criteria provided, single submitter. Criteria: ACMG Guidelines, 2015. Collection method: research. Allele origin: germline. Affected: yes.

Color Diagnostics, LLC DBA Color Health
Classification: Uncertain significance for Hereditary cancer-predisposing syndrome. Last evaluated: 2019-01-24. Review status: criteria provided, single submitter. Criteria: ACMG Guidelines, 2015. Collection method: clinical testing. Allele origin: germline.

Natera, Inc.
Classification: Uncertain significance for Ataxia-telangiectasia. Last evaluated: 2020-09-16. Review status: no assertion criteria provided. Collection method: clinical testing. Allele origin: germline. Not counted in ClinVar's aggregate classification.

Literature cited by the submitters: PubMed 30287823 (cited by Labcorp Genetics (formerly Invitae), Labcorp and Ambry Genetics); PubMed 35218119 (cited by Labcorp Genetics (formerly Invitae), Labcorp).